The following is an entry in ClinVar:

NM_004104.5(FASN):c.465C>G (p.Ile155Met)

Gene: FASN (fatty acid synthase; minus strand). Cytogenetic location: 17q25.3.
Variant type: single nucleotide variant.
Coding change: c.465C>G on transcript NM_004104.5 (MANE Select); coding-DNA position 465, C replaced by G.
Protein change: p.Ile155Met; replaces isoleucine 155 with methionine.
Molecular consequence: missense variant.
Genome position (GRCh38, 1-based): chr17:82,093,409, G>C on the plus strand (C>G on the coding strand, the complement: FASN is on the minus strand). VCF-style: chr17-82093409-G-C. GRCh37 (hg19) VCF-style: chr17-80051285-G-C.
Other names: short protein forms I155M.
Identifiers: ClinVar variation 3615581 (VCV003615581.2).
Genomic context (GRCh38, chr17:82,093,409, plus strand): 5'-GATGGCCTGGTAGGCGTTCTGCAGGGCCATCAGGCTGGAGGAGCAGGCTGTGTCCAGTGC[G>C]ATGCTGGGCCCTGCAAGGAAGGGTGCTGCGGCTCAGGTGGGGCTGTGAGCACACGAGACC-3'
Protein context (NP_004095.4, residues 145-165): SFFFDFRGPS[Ile155Met]ALDTACSSSL

ClinVar aggregate classification (germline): Uncertain significance (1 of 4 stars; one submission).

Conditions:
Epileptic encephalopathy. Identifiers: MedGen C0543888, HP:0200134.

gnomAD v4.1: 8 of 1,601,372 alleles (0.0005%); highest among the groups gnomAD compares: East Asian, 0.0022%; no homozygotes.

Submission:

Labcorp Genetics (formerly Invitae), Labcorp
Classification: Uncertain significance for Epileptic encephalopathy. Last evaluated: 2024-12-15. Review status: criteria provided, single submitter. Criteria: Invitae Variant Classification Sherloc (09022015). Collection method: clinical testing. Allele origin: germline.
Comment: This sequence change replaces isoleucine, which is neutral and non-polar, with methionine, which is neutral and non-polar, at codon 155 of the FASN protein (p.Ile155Met). This variant is present in population databases (rs764556208, gnomAD 0.006%). This variant has not been reported in the literature in individuals affected with FASN-related conditions. An algorithm developed to predict the effect of missense changes on protein structure and function (PolyPhen-2) suggests that this variant is likely to be tolerated. In summary, the available evidence is currently insufficient to determine the role of this variant in disease. Therefore, it has been classified as a Variant of Uncertain Significance.